The following is an entry in ClinVar:

ClinVar aggregate classification (germline): Pathogenic. Review status: criteria provided, multiple submitters, no conflicts (2 of 4 stars). 4 submissions from 4 submitters: Pathogenic (4). Last evaluated 2025-10-02.

Conditions:
Congenital myasthenic syndrome 9. Also called: Myasthenic syndrome, congenital, 9, associated with acetylcholine receptor deficiency. Identifiers: Orphanet 590, MedGen C4225368, MONDO:0014587, OMIM 616325.
Fetal akinesia deformation sequence 1 (FADS1). Also called: Fetal akinesia sequence; Pena-Shokeir syndrome type I. Identifiers: Orphanet 994, MedGen C1276035, MONDO:0100101, OMIM 208150, HP:0001989.

Allele frequency attached by ClinVar (database versions not stated): ExAC 0.00002; TOPMed 0.00002.
gnomAD v4.1: 14 of 1,613,516 alleles (0.00087%); highest among the groups gnomAD compares: South Asian, 0.0088%; no homozygotes.

Submissions (4):

Labcorp Genetics (formerly Invitae), Labcorp
Classification: Pathogenic for Congenital myasthenic syndrome 9; Fetal akinesia deformation sequence 1. Last evaluated: 2025-10-02. Review status: criteria provided, single submitter. Criteria: Invitae Variant Classification Sherloc (09022015). Collection method: clinical testing. Allele origin: germline.
Comment: This sequence change creates a premature translational stop signal (p.Arg264*) in the MUSK gene. It is expected to result in an absent or disrupted protein product. Loss-of-function variants in MUSK are known to be pathogenic (PMID: 8653786, 25612909, 25695962, 25900532). This variant is present in population databases (rs777482709, gnomAD 0.01%). This variant has not been reported in the literature in individuals affected with MUSK-related conditions. ClinVar contains an entry for this variant (Variation ID: 2951981). For these reasons, this variant has been classified as Pathogenic.

First Genomix Gene Laboratory, Genetic Diagnostics Department
Classification: Pathogenic for Fetal akinesia deformation sequence 1; Congenital myasthenic syndrome 9. Last evaluated: 2025-03-21. Review status: criteria provided, single submitter. Criteria: ACMG Guidelines, 2015. Collection method: clinical testing. Allele origin: germline. Inheritance: Autosomal recessive inheritance. Affected: no. Observed: 1 variant allele.

Juno Genomics, Hangzhou Juno Genomics, Inc
Classification: Pathogenic for Fetal akinesia deformation sequence 1; Congenital myasthenic syndrome 9. Review status: criteria provided, single submitter. Criteria: ACMG Guidelines, 2015. Collection method: clinical testing. Allele origin: germline.
Comment: Absent from controls (or at extremely low frequency if recessive) in Genome Aggregation Database.;Null variant in a gene where loss of function (LOF) is a known mechanism of disease.;For recessive disorders, detected in trans with a pathogenic variant.

Suma Genomics
Classification: Pathogenic for Fetal akinesia deformation sequence 1. Review status: criteria provided, single submitter. Criteria: ACMG Guidelines, 2015. Collection method: clinical testing. Allele origin: germline. Inheritance: Autosomal recessive inheritance. Affected: yes. Observed: 1 variant allele, 1 homozygote.
Comment: This variant is observed in 14 individuals in the gnomAD database in a heterozygous state. ACMG classification: Pathogenic Criteria met: PVS1: Null variant in a gene where loss of function is a known mechanism of disease PM2_Supporting: Extremely low frequency in gnomAD population databases PP1_Moderate: cosegregation

Literature cited by the submitters: PubMed 8653786 (cited by Labcorp Genetics (formerly Invitae), Labcorp); PubMed 25612909 (cited by Labcorp Genetics (formerly Invitae), Labcorp); PubMed 25695962 (cited by Labcorp Genetics (formerly Invitae), Labcorp); PubMed 25900532 (cited by Labcorp Genetics (formerly Invitae), Labcorp).

NM_005592.4(MUSK):c.790C>T (p.Arg264Ter)

Gene: MUSK (muscle associated receptor tyrosine kinase; plus strand). Cytogenetic location: 9q31.3.
Variant type: single nucleotide variant.
Coding change: c.790C>T on transcript NM_005592.4 (MANE Select); coding-DNA position 790, C replaced by T.
Protein change: p.Arg264Ter; replaces arginine 264 with a stop codon.
Molecular consequence: nonsense. On other transcripts: 5 prime UTR variant (1).
Genome position (GRCh38, 1-based): chr9:110,747,677, C>T. VCF-style: chr9-110747677-C-T. GRCh37 (hg19) VCF-style: chr9-113509957-C-T.
Other names: c.820C>T, p.Arg274Ter (NM_001166280.2); c.790C>T, p.Arg264Ter (NM_001166281.2); c.-447C>T (NM_001369398.1); short protein forms R274*, R264*.
Identifiers: ClinVar variation 2951981 (VCV002951981.7), dbSNP rs777482709, ClinGen allele CA5184185.